The following is an entry in ClinVar:

NM_000322.5(PRPH2):c.265G>A (p.Ala89Thr)

Gene: PRPH2 (peripherin 2; minus strand). Cytogenetic location: 6p21.1.
Variant type: single nucleotide variant.
Coding change: c.265G>A on transcript NM_000322.5 (MANE Select); coding-DNA position 265, G replaced by A.
Protein change: p.Ala89Thr; replaces alanine 89 with threonine.
Molecular consequence: missense variant.
Genome position (GRCh38, 1-based): chr6:42,722,070, C>T on the plus strand (G>A on the coding strand, the complement: PRPH2 is on the minus strand). VCF-style: chr6-42722070-C-T. GRCh37 (hg19) VCF-style: chr6-42689808-C-T.
Other names: short protein forms A89T.
Identifiers: ClinVar variation 2955142 (VCV002955142.4), dbSNP rs773254206, ClinGen allele CA3808642.
Genomic context (GRCh38, chr6:42,722,070, plus strand): 5'-TGAAGAGAACACAGATAGCCAGGTACGGCTTCAGCCAGGGCTTCCATCTGGCATACTTGG[C>T]TGGGTCCAGGGCGTCGTAGCAGATCTTCCCAGCCAGCGAGTTGAAGACACAGGATAGCAC-3'
Protein context (NP_000313.2, residues 79-99): GKICYDALDP[Ala89Thr]KYARWKPWLK

ClinVar aggregate classification (germline): Uncertain significance. Review status: criteria provided, multiple submitters, no conflicts (2 of 4 stars). 2 submissions from 2 submitters: Uncertain significance (2). Last evaluated 2022-12-30.

Conditions:
PRPH2-related disorder. Also called: PRPH2-related condition; PRPH2-related disorders. Identifiers: MedGen CN239395.

Allele frequency attached by ClinVar (database versions not stated): gnomAD exomes below 0.00001; TOPMed below 0.00001; ExAC 0.00001.
gnomAD v4.1: 2 of 1,614,072 alleles (0.00012%); highest among the groups gnomAD compares: Non-Finnish European, 0.00017%; no homozygotes.

Submissions (2):

Labcorp Genetics (formerly Invitae), Labcorp
Classification: Uncertain significance for PRPH2-related disorder. Last evaluated: 2022-12-30. Review status: criteria provided, single submitter. Criteria: Invitae Variant Classification Sherloc (09022015). Collection method: clinical testing. Allele origin: germline.
Comment: This variant is present in population databases (rs773254206, gnomAD 0.0009%). In summary, the available evidence is currently insufficient to determine the role of this variant in disease. Therefore, it has been classified as a Variant of Uncertain Significance. Advanced modeling of protein sequence and biophysical properties (such as structural, functional, and spatial information, amino acid conservation, physicochemical variation, residue mobility, and thermodynamic stability) performed at Invitae indicates that this missense variant is not expected to disrupt PRPH2 protein function. This variant has not been reported in the literature in individuals affected with PRPH2-related conditions. This sequence change replaces alanine, which is neutral and non-polar, with threonine, which is neutral and polar, at codon 89 of the PRPH2 protein (p.Ala89Thr).

Blueprint Genetics
Classification: Uncertain significance. Last evaluated: 2019-03-31. Review status: criteria provided, single submitter. Criteria: ACMG Guidelines, 2015. Collection method: clinical testing. Allele origin: germline.